The following is an entry in ClinVar:

NM_001142800.2(EYS):c.3221C>T (p.Thr1074Ile)

Gene: EYS (EGF-like photoreceptor maintenance factor; minus strand). Cytogenetic location: 6q12.
Variant type: single nucleotide variant.
Coding change: c.3221C>T on transcript NM_001142800.2 (MANE Select); coding-DNA position 3221, C replaced by T.
Protein change: p.Thr1074Ile; replaces threonine 1074 with isoleucine.
Molecular consequence: missense variant.
Genome position (GRCh38, 1-based): chr6:64,821,667, G>A on the plus strand (C>T on the coding strand, the complement: EYS is on the minus strand). VCF-style: chr6-64821667-G-A. GRCh37 (hg19) VCF-style: chr6-65531560-G-A.
Other names: c.3221C>T (NM_001142800.1); c.3221C>T, p.Thr1074Ile (NM_001292009.2); short protein forms T1074I.
Identifiers: ClinVar variation 1914741 (VCV001914741.3), dbSNP rs1583193118, ClinGen allele CA364787178.
Genomic context (GRCh38, chr6:64,821,667, plus strand): 5'-TTTTTGTCATATAACTTGAATAAAATTATAAGACTTACATTAATTTTGATCTTACATTGT[G>A]TGCTAGTCCCATCTGCATCACATGAACATGGATATTCATTAATAAGTTCTGTGCACCTGA-3'
Protein context (NP_001136272.1, residues 1064-1084): PCSCDADGTS[Thr1074Ile]QCKIKINDCT

ClinVar aggregate classification (germline): Conflicting classifications of pathogenicity. Review status: criteria provided, conflicting classifications (1 of 4 stars). 2 submissions from 2 submitters: Uncertain significance (1); Likely benign (1). Last evaluated 2026-08-12.

Conditions:
Inborn genetic diseases. Identifiers: MedGen C0950123, MeSH D030342.

Submissions (2):

Ambry Genetics
Classification: Likely benign for Inborn genetic diseases. Last evaluated: 2026-08-12. Review status: criteria provided, single submitter. Criteria: Ambry Variant Classification Scheme 2023. Collection method: clinical testing. Allele origin: germline.

Labcorp Genetics (formerly Invitae), Labcorp
Classification: Uncertain significance. Last evaluated: 2022-07-23. Review status: criteria provided, single submitter. Criteria: Invitae Variant Classification Sherloc (09022015). Collection method: clinical testing. Allele origin: germline.
Comment: This sequence change replaces threonine, which is neutral and polar, with isoleucine, which is neutral and non-polar, at codon 1074 of the EYS protein (p.Thr1074Ile). This variant is not present in population databases (gnomAD no frequency). This variant has not been reported in the literature in individuals affected with EYS-related conditions. Algorithms developed to predict the effect of missense changes on protein structure and function output the following: SIFT: "Tolerated"; PolyPhen-2: "Benign"; Align-GVGD: "Class C0". The isoleucine amino acid residue is found in multiple mammalian species, which suggests that this missense change does not adversely affect protein function. In summary, the available evidence is currently insufficient to determine the role of this variant in disease. Therefore, it has been classified as a Variant of Uncertain Significance.